The following is an entry in ClinVar:

ClinVar aggregate classification (germline): Uncertain significance. Review status: criteria provided, multiple submitters, no conflicts (2 of 4 stars). 2 submissions from 2 submitters: Uncertain significance (2). Last evaluated 2025-02-27.

Conditions:
Bardet-Biedl syndrome (BBS). Identifiers: Orphanet 110, MedGen C0752166, MONDO:0015229.
TRIM32-related disorder. Also called: TRIM32-related condition.

Allele frequency attached by ClinVar (database versions not stated): gnomAD exomes below 0.00001.
gnomAD v4.1: 1 of 1,614,174 alleles (0.000062%); highest among the groups gnomAD compares: African/African-American, 0.0013%; no homozygotes.

Submissions (2):

PreventionGenetics, part of Exact Sciences
Classification: Uncertain significance for TRIM32-related condition. Last evaluated: 2025-02-27. Review status: criteria provided, single submitter. Criteria: ACMG Guidelines, 2015. Collection method: clinical testing. Allele origin: germline.
Comment: The TRIM32 c.188T>C variant is predicted to result in the amino acid substitution p.Phe63Ser. To our knowledge, this variant has not been reported in the literature or in a large population database (gnomAD), indicating this variant is rare. At this time, the clinical significance of this variant is uncertain due to the absence of conclusive functional and genetic evidence.

Labcorp Genetics (formerly Invitae), Labcorp
Classification: Uncertain significance for Bardet-Biedl syndrome. Last evaluated: 2022-02-24. Review status: criteria provided, single submitter. Criteria: Invitae Variant Classification Sherloc (09022015). Collection method: clinical testing. Allele origin: germline.
Comment: In summary, the available evidence is currently insufficient to determine the role of this variant in disease. Therefore, it has been classified as a Variant of Uncertain Significance. Algorithms developed to predict the effect of missense changes on protein structure and function (SIFT, PolyPhen-2, Align-GVGD) all suggest that this variant is likely to be disruptive. ClinVar contains an entry for this variant (Variation ID: 1024915). This variant has not been reported in the literature in individuals affected with TRIM32-related conditions. This variant is not present in population databases (gnomAD no frequency). This sequence change replaces phenylalanine, which is neutral and non-polar, with serine, which is neutral and polar, at codon 63 of the TRIM32 protein (p.Phe63Ser).

NM_012210.4(TRIM32):c.188T>C (p.Phe63Ser)

Genes: ASTN2 (astrotactin 2; minus strand), TRIM32 (tripartite motif containing 32; plus strand). Cytogenetic location: 9q33.1.
Variant type: single nucleotide variant.
Coding change: c.188T>C on transcript NM_012210.4 (MANE Select); coding-DNA position 188, T replaced by C.
Protein change: p.Phe63Ser; replaces phenylalanine 63 with serine.
Molecular consequence: missense variant. On other transcripts: intron variant (3).
Genome position (GRCh38, 1-based): chr9:116,697,930, T>C. VCF-style: chr9-116697930-T-C. GRCh37 (hg19) VCF-style: chr9-119460209-T-C.
Other names: c.188T>C, p.Phe63Ser (NM_001099679.2, NM_001379048.1, NM_001379049.1 and 1 more transcripts); c.2653+27841A>G (NM_014010.5); c.2794+27841A>G (NM_001365069.1); c.2806+27841A>G (NM_001365068.1); short protein forms F63S.
Identifiers: ClinVar variation 1024915 (VCV001024915.8), dbSNP rs1860952573, ClinGen allele CA374647749.
Genomic context (GRCh38, chr9:116,697,930, plus strand): 5'-TCTGCCGCCAGTGCCTGGAGAAGCTATTGGCCAGTAGCATCAATGGTGTCCGCTGTCCCT[T>C]TTGCAGCAAGATTACCCGCATAACCAGCTTGACCCAGCTGACAGACAATCTGACAGTGCT-3'
Protein context (NP_036342.2, residues 53-73): ASSINGVRCP[Phe63Ser]CSKITRITSL